The following is an entry in ClinVar:

ClinVar aggregate classification (germline): Likely benign (0 of 4 stars; one submission).

Conditions:
CTBP2-related disorder. Also called: CTBP2-related condition.

Allele frequency attached by ClinVar (database versions not stated): TOPMed 0.00005; ESP Exome Variant Server 0.00008; gnomAD 0.00009; 1000 Genomes Project 30x 0.00016; gnomAD exomes 0.00019; 1000 Genomes Project 0.00020; ExAC 0.00045.
gnomAD v4.1: 300 of 1,613,088 alleles (0.019%); highest among the groups gnomAD compares: South Asian, 0.24%; 3 homozygotes.

Submission:

PreventionGenetics, part of Exact Sciences
Classification: Likely benign for CTBP2-related condition. Last evaluated: 2023-04-25. Review status: no assertion criteria provided. Collection method: clinical testing. Allele origin: germline.
Comment: This variant is classified as likely benign based on ACMG/AMP sequence variant interpretation guidelines (Richards et al. 2015 PMID: 25741868, with internal and published modifications).

NM_001329.4(CTBP2):c.58+12231G>A

Gene: CTBP2 (C-terminal binding protein 2; minus strand). Cytogenetic location: 10q26.13.
Variant type: single nucleotide variant.
Coding change: c.58+12231G>A on transcript NM_001329.4 (MANE Select); 12231 bases into the intron after coding-DNA position 58, G replaced by A.
Molecular consequence: intron variant. On other transcripts: missense variant (1).
Genome position (GRCh38, 1-based): chr10:125,026,766, C>T on the plus strand (G>A on the coding strand, the complement: CTBP2 is on the minus strand). VCF-style: chr10-125026766-C-T. GRCh37 (hg19) VCF-style: chr10-126715335-C-T.
Other names: c.994G>A, p.Val332Ile (NM_022802.3); c.58+12231G>A (NM_001083914.3, NM_001290214.3, NM_001321012.2 and 3 more transcripts); short protein forms V332I.
Identifiers: ClinVar variation 3056442 (VCV003056442.2), dbSNP rs200267736, ClinGen allele CA5736376.